The following is an entry in ClinVar:

ClinVar aggregate classification (germline): Uncertain significance (1 of 4 stars; one submission).

Conditions:
Familial cancer of breast. Also called: Hereditary breast cancer; hereditary breast carcinoma; BREAST CANCER, FAMILIAL. Identifiers: Orphanet 227535, MedGen C0346153, MONDO:0016419, OMIM 114480. Disease mechanism: loss of function.

Submission:

Labcorp Genetics (formerly Invitae), Labcorp
Classification: Uncertain significance for Familial cancer of breast. Last evaluated: 2024-04-22. Review status: criteria provided, single submitter. Criteria: Invitae Variant Classification Sherloc (09022015). Collection method: clinical testing. Allele origin: germline.
Comment: This sequence change falls in intron 5 of the BARD1 gene. It does not directly change the encoded amino acid sequence of the BARD1 protein. It affects a nucleotide within the consensus splice site. This variant is not present in population databases (gnomAD no frequency). This variant has not been reported in the literature in individuals affected with BARD1-related conditions. ClinVar contains an entry for this variant (Variation ID: 655778). Variants that disrupt the consensus splice site are a relatively common cause of aberrant splicing (PMID: 17576681, 9536098). Algorithms developed to predict the effect of sequence changes on RNA splicing suggest that this variant is not likely to affect RNA splicing. In summary, the available evidence is currently insufficient to determine the role of this variant in disease. Therefore, it has been classified as a Variant of Uncertain Significance.

Literature cited by the submitters: PubMed 17576681; PubMed 9536098.

NM_000465.4(BARD1):c.1396-3T>C

Gene: BARD1 (BRCA1 associated RING domain 1; minus strand). Cytogenetic location: 2q35.
Variant type: single nucleotide variant.
Coding change: c.1396-3T>C on transcript NM_000465.4 (MANE Select); 3 bases into the intron before coding-DNA position 1396, T replaced by C.
Molecular consequence: intron variant.
Genome position (GRCh38, 1-based): chr2:214,767,657, A>G on the plus strand (T>C on the coding strand, the complement: BARD1 is on the minus strand). VCF-style: chr2-214767657-A-G. GRCh37 (hg19) VCF-style: chr2-215632381-A-G.
Other names: c.1396-3T>C (LRG_297t1); c.159-15102T>C (NM_001282548.2); c.1339-3T>C (NM_001282543.2); c.216-15102T>C (NM_001282545.2); c.364+24640T>C (NM_001282549.2).
Identifiers: ClinVar variation 655778 (VCV000655778.9), dbSNP rs1574789181, ClinGen allele CA915941682.